The following is an entry in ClinVar:

ClinVar aggregate classification (germline): Uncertain significance (1 of 4 stars; one submission).

Submission:

Labcorp Genetics (formerly Invitae), Labcorp
Classification: Uncertain significance. Last evaluated: 2019-12-27. Review status: criteria provided, single submitter. Criteria: Invitae Variant Classification Sherloc (09022015). Collection method: clinical testing. Allele origin: germline.
Comment: In summary, the available evidence is currently insufficient to determine the role of this variant in disease. Therefore, it has been classified as a Variant of Uncertain Significance. Algorithms developed to predict the effect of missense changes on protein structure and function (SIFT, PolyPhen-2, Align-GVGD) all suggest that this variant is likely to be disruptive, but these predictions have not been confirmed by published functional studies and their clinical significance is uncertain. This variant has not been reported in the literature in individuals with RP1-related conditions. This variant is not present in population databases (ExAC no frequency). This sequence change replaces proline with histidine at codon 46 of the RP1 protein (p.Pro46His). The proline residue is highly conserved and there is a moderate physicochemical difference between proline and histidine.

NM_006269.2(RP1):c.137C>A (p.Pro46His)

Gene: RP1 (RP1 axonemal microtubule associated; plus strand). Cytogenetic location: 8q12.1.
Variant type: single nucleotide variant.
Coding change: c.137C>A on transcript NM_006269.2 (MANE Select); coding-DNA position 137, C replaced by A.
Protein change: p.Pro46His; replaces proline 46 with histidine.
Molecular consequence: missense variant.
Genome position (GRCh38, 1-based): chr8:54,621,103, C>A. VCF-style: chr8-54621103-C-A. GRCh37 (hg19) VCF-style: chr8-55533663-C-A.
Other names: c.137C>A, p.Pro46His (NM_001375654.1); short protein forms P46H.
Identifiers: ClinVar variation 841937 (VCV000841937.10), dbSNP rs775031968, ClinGen allele CA370985660.